The following is an entry in ClinVar:

NM_002439.5(MSH3):c.3288A>T (p.Leu1096Phe)

Gene: MSH3 (mutS homolog 3; plus strand). Cytogenetic location: 5q14.1.
Variant type: single nucleotide variant.
Coding change: c.3288A>T on transcript NM_002439.5 (MANE Select); coding-DNA position 3288, A replaced by T.
Protein change: p.Leu1096Phe; replaces leucine 1096 with phenylalanine.
Molecular consequence: missense variant.
Genome position (GRCh38, 1-based): chr5:80,873,273, A>T. VCF-style: chr5-80873273-A-T. GRCh37 (hg19) VCF-style: chr5-80169092-A-T.
Other names: short protein forms L1096F.
Identifiers: ClinVar variation 3913615 (VCV003913615.1).

ClinVar aggregate classification (germline): Uncertain significance (1 of 4 stars; one submission).

Conditions:
Hereditary cancer-predisposing syndrome. Also called: Hereditary Cancer Syndrome; Hereditary neoplastic syndrome; Neoplastic Syndromes, Hereditary; Tumor predisposition. Identifiers: Orphanet 140162, MedGen C0027672, MeSH D009386, MONDO:0015356.

Submission:

Ambry Genetics
Classification: Uncertain significance for Hereditary cancer-predisposing syndrome. Last evaluated: 2025-04-01. Review status: criteria provided, single submitter. Criteria: Ambry Variant Classification Scheme 2023. Collection method: clinical testing. Allele origin: germline.
Comment: The p.L1096F variant (also known as c.3288A>T), located in coding exon 23 of the MSH3 gene, results from an A to T substitution at nucleotide position 3288. The leucine at codon 1096 is replaced by phenylalanine, an amino acid with highly similar properties. This amino acid position is conserved. In addition, this alteration is predicted to be tolerated by in silico analysis. Based on the available evidence, the clinical significance of this variant remains unclear.